The following is an entry in ClinVar:

NM_006662.3(SRCAP):c.9265G>A (p.Val3089Ile)

Gene: SRCAP (Snf2 related CREBBP activator protein; plus strand). Cytogenetic location: 16p11.2.
Variant type: single nucleotide variant.
Coding change: c.9265G>A on transcript NM_006662.3 (MANE Select); coding-DNA position 9265, G replaced by A.
Protein change: p.Val3089Ile; replaces valine 3089 with isoleucine.
Molecular consequence: missense variant.
Genome position (GRCh38, 1-based): chr16:30,739,305, G>A. VCF-style: chr16-30739305-G-A. GRCh37 (hg19) VCF-style: chr16-30750626-G-A.
Other names: short protein forms V3089I.
Identifiers: ClinVar variation 2107944 (VCV002107944.4), dbSNP rs1017553502, ClinGen allele CA395643856.

ClinVar aggregate classification (germline): Uncertain significance (1 of 4 stars; one submission).

Allele frequency attached by ClinVar (database versions not stated): gnomAD exomes below 0.00001; TOPMed 0.00001.
gnomAD v4.1: 1 of 1,614,178 alleles (0.000062%); highest among the groups gnomAD compares: African/African-American, 0.0013%; no homozygotes.

Submission:

Labcorp Genetics (formerly Invitae), Labcorp
Classification: Uncertain significance. Last evaluated: 2022-06-02. Review status: criteria provided, single submitter. Criteria: Invitae Variant Classification Sherloc (09022015). Collection method: clinical testing. Allele origin: germline.
Comment: In summary, the available evidence is currently insufficient to determine the role of this variant in disease. Therefore, it has been classified as a Variant of Uncertain Significance. Algorithms developed to predict the effect of missense changes on protein structure and function are either unavailable or do not agree on the potential impact of this missense change (SIFT: "Tolerated"; PolyPhen-2: "Not Available"; Align-GVGD: "Class C0"). This variant has not been reported in the literature in individuals affected with SRCAP-related conditions. This variant is not present in population databases (gnomAD no frequency). This sequence change replaces valine, which is neutral and non-polar, with isoleucine, which is neutral and non-polar, at codon 3089 of the SRCAP protein (p.Val3089Ile).